The following is an entry in ClinVar:

NM_001378615.1(CC2D2A):c.1393dup (p.Leu465fs)

Genes: CC2D2A (coiled-coil and C2 domain containing 2A; plus strand), FBXL5 (F-box and leucine rich repeat protein 5; minus strand). Cytogenetic location: 4p15.32.
Variant type: Duplication.
Coding change: c.1393dup on transcript NM_001378615.1 (MANE Select); coding-DNA position 1393, one base duplicated (C; older notation c.1393dupC).
Protein change: p.Leu465fs; shifts the reading frame from leucine 465.
Molecular consequence: frameshift variant.
Genome position (GRCh38, 1-based): chr4:15,528,653, C duplicated; the last of 2 consecutive C bases (chr4:15,528,652-15,528,653); duplicating either gives the same sequence. VCF-style (leftmost placement, unchanged base first): chr4-15528651-G-GC. GRCh37 (hg19) VCF-style: chr4-15530274-G-GC.
Other names: c.1393dup, p.Leu465fs (NM_001080522.2); c.1246dup, p.Leu416fs (NM_001378617.1); short protein forms L416fs, L465fs.
Identifiers: ClinVar variation 5013611 (VCV005013611.1).
Genomic context (GRCh38, chr4:15,528,651, plus strand): 5'-CCCAAAACTTGTATCCATGTCGTTTTAAGCTCCAAGCTTTAAGAAATGCTGTTCAGACTG[G>GC]CCTTGATCCAGAAAAACCTCATCAGTCTCTCGATACCATCCAAAAAACCATCAATGAGTA-3'

ClinVar aggregate classification (germline): Pathogenic (1 of 4 stars; one submission).

Conditions:
Joubert syndrome and related disorders. Identifiers: Orphanet 140874, MedGen C5679612, MONDO:0015369.

Submission:

Myriad Genetics, Inc.
Classification: Pathogenic for Joubert syndrome and related disorders. Last evaluated: 2024-10-04. Review status: criteria provided, single submitter. Criteria: Myriad Autosomal Dominant, Autosomal Recessive and X-Linked Classification Criteria (2023). Collection method: clinical testing. Allele origin: unknown.
Comment: NM_001080522.2(CC2D2A):c.1393dupC(L465Pfs*2) is expected to be pathogenic in the context of CC2D2A-related disorders. This variant is predicted to lead to an abnormal or absent protein product due to the creation of a premature termination codon in CC2D2A, a gene where loss-of-function variants are known to be pathogenic. Please note: this variant was assessed in the context of healthy population screening.